The following is an entry in ClinVar:

ClinVar aggregate classification (germline): Uncertain significance (1 of 4 stars; one submission).

Allele frequency attached by ClinVar (database versions not stated): gnomAD 0.00001; gnomAD exomes 0.00001; TOPMed 0.00001.
gnomAD v4.1: 10 of 1,613,898 alleles (0.00062%); highest among the groups gnomAD compares: Middle Eastern, 0.016%; no homozygotes.

Submission:

Labcorp Genetics (formerly Invitae), Labcorp
Classification: Uncertain significance. Last evaluated: 2023-01-14. Review status: criteria provided, single submitter. Criteria: Invitae Variant Classification Sherloc (09022015). Collection method: clinical testing. Allele origin: germline.
Comment: In summary, the available evidence is currently insufficient to determine the role of this variant in disease. Therefore, it has been classified as a Variant of Uncertain Significance. This sequence change replaces isoleucine, which is neutral and non-polar, with valine, which is neutral and non-polar, at codon 1412 of the FAT1 protein (p.Ile1412Val). This variant is present in population databases (no rsID available, gnomAD 0.01%). This variant has not been reported in the literature in individuals affected with FAT1-related conditions. Advanced modeling of protein sequence and biophysical properties (such as structural, functional, and spatial information, amino acid conservation, physicochemical variation, residue mobility, and thermodynamic stability) performed at Invitae indicates that this missense variant is not expected to disrupt FAT1 protein function.

NM_005245.4(FAT1):c.4234A>G (p.Ile1412Val)

Gene: FAT1 (FAT atypical cadherin 1; minus strand). Cytogenetic location: 4q35.2.
Variant type: single nucleotide variant.
Coding change: c.4234A>G on transcript NM_005245.4 (MANE Select); coding-DNA position 4234, A replaced by G.
Protein change: p.Ile1412Val; replaces isoleucine 1412 with valine.
Molecular consequence: missense variant.
Genome position (GRCh38, 1-based): chr4:186,633,773, T>C on the plus strand (A>G on the coding strand, the complement: FAT1 is on the minus strand). VCF-style: chr4-186633773-T-C. GRCh37 (hg19) VCF-style: chr4-187554927-T-C.
Other names: short protein forms I1412V.
Identifiers: ClinVar variation 3022537 (VCV003022537.3), dbSNP rs954255447, ClinGen allele CA112164515.